The following is an entry in ClinVar:

ClinVar aggregate classification (germline): Uncertain significance (0 of 4 stars; one submission).

Conditions:
SLC34A3-related disorder. Also called: SLC34A3-related condition.

Allele frequency attached by ClinVar (database versions not stated): gnomAD 0.00001.
gnomAD v4.1: 1 of 1,608,204 alleles (0.000062%); highest among the groups gnomAD compares: East Asian, 0.0022%; no homozygotes.

Submission:

PreventionGenetics, part of Exact Sciences
Classification: Uncertain significance for SLC34A3-related condition. Last evaluated: 2024-01-11. Review status: no assertion criteria provided. Collection method: clinical testing. Allele origin: germline.
Comment: The SLC34A3 c.436G>A variant is predicted to result in the amino acid substitution p.Val146Met. To our knowledge, this variant has not been reported in the literature. This variant is reported in 0.064% of alleles in individuals of East Asian descent in gnomAD. At this time, the clinical significance of this variant is uncertain due to the absence of conclusive functional and genetic evidence.

NM_001177316.2(SLC34A3):c.436G>A (p.Val146Met)

Gene: SLC34A3 (solute carrier family 34 member 3; plus strand). Cytogenetic location: 9q34.3.
Variant type: single nucleotide variant.
Coding change: c.436G>A on transcript NM_001177316.2 (MANE Select); coding-DNA position 436, G replaced by A.
Protein change: p.Val146Met; replaces valine 146 with methionine.
Molecular consequence: missense variant.
Genome position (GRCh38, 1-based): chr9:137,232,915, G>A. VCF-style: chr9-137232915-G-A. GRCh37 (hg19) VCF-style: chr9-140127367-G-A.
Other names: c.436G>A, p.Val146Met (NM_001177317.2, NM_080877.3); short protein forms V146M.
Identifiers: ClinVar variation 3031137 (VCV003031137.2), dbSNP rs376378040, ClinGen allele CA201694417.